The following is an entry in ClinVar:

ClinVar aggregate classification (germline): Uncertain significance (1 of 4 stars; one submission).

Allele frequency attached by ClinVar (database versions not stated): gnomAD exomes below 0.00001; TOPMed 0.00001; gnomAD 0.00002.
gnomAD v4.1: 8 of 1,610,292 alleles (0.0005%); highest among the groups gnomAD compares: African/African-American, 0.008%; no homozygotes.

Submission:

Labcorp Genetics (formerly Invitae), Labcorp
Classification: Uncertain significance. Last evaluated: 2022-08-09. Review status: criteria provided, single submitter. Criteria: Invitae Variant Classification Sherloc (09022015). Collection method: clinical testing. Allele origin: germline.
Comment: This sequence change replaces alanine, which is neutral and non-polar, with valine, which is neutral and non-polar, at codon 54 of the FARSB protein (p.Ala54Val). In summary, the available evidence is currently insufficient to determine the role of this variant in disease. Therefore, it has been classified as a Variant of Uncertain Significance. Algorithms developed to predict the effect of sequence changes on RNA splicing suggest that this variant may create or strengthen a splice site. Algorithms developed to predict the effect of missense changes on protein structure and function are either unavailable or do not agree on the potential impact of this missense change (SIFT: "Deleterious"; PolyPhen-2: "Benign"; Align-GVGD: "Class C0"). This variant has not been reported in the literature in individuals affected with FARSB-related conditions. This variant is present in population databases (no rsID available, gnomAD 0.007%).

NM_005687.5(FARSB):c.161C>T (p.Ala54Val)

Gene: FARSB (phenylalanyl-tRNA synthetase subunit beta; minus strand). Cytogenetic location: 2q36.1.
Variant type: single nucleotide variant.
Coding change: c.161C>T on transcript NM_005687.5 (MANE Select); coding-DNA position 161, C replaced by T.
Protein change: p.Ala54Val; replaces alanine 54 with valine.
Molecular consequence: missense variant. On other transcripts: non-coding transcript variant (1).
Genome position (GRCh38, 1-based): chr2:222,642,959, G>A on the plus strand (C>T on the coding strand, the complement: FARSB is on the minus strand). VCF-style: chr2-222642959-G-A. GRCh37 (hg19) VCF-style: chr2-223507678-G-A.
Other names: short protein forms A54V.
Identifiers: ClinVar variation 1919853 (VCV001919853.5), dbSNP rs1313924935, ClinGen allele CA350819506.